The following is an entry in ClinVar:

ClinVar aggregate classification (germline): Uncertain significance. Review status: criteria provided, multiple submitters, no conflicts (2 of 4 stars). 3 submissions from 3 submitters: Uncertain significance (3). Last evaluated 2025-09-01.

Conditions:
Hereditary cancer-predisposing syndrome. Also called: Neoplastic Syndromes, Hereditary; Hereditary neoplastic syndrome; Hereditary Cancer Syndrome; Tumor predisposition. Identifiers: Orphanet 140162, MedGen C0027672, MeSH D009386, MONDO:0015356.
Hereditary diffuse gastric adenocarcinoma (HDGC). Also called: DIFFUSE GASTRIC AND LOBULAR BREAST CANCER SYNDROME. Identifiers: Orphanet 26106, MedGen C1708349, MONDO:0007648, OMIM 137215.

Submissions (3):

Labcorp Genetics (formerly Invitae), Labcorp
Classification: Uncertain significance for Hereditary diffuse gastric adenocarcinoma. Last evaluated: 2025-09-01. Review status: criteria provided, single submitter. Criteria: Invitae Variant Classification Sherloc (09022015). Collection method: clinical testing. Allele origin: germline.
Comment: This variant, c.2251_2253del, results in the deletion of 1 amino acid(s) of the CDH1 protein (p.Asn751del), but otherwise preserves the integrity of the reading frame. This variant is not present in population databases (gnomAD no frequency). This variant has not been reported in the literature in individuals affected with CDH1-related conditions. ClinVar contains an entry for this variant (Variation ID: 1399691). Experimental studies and prediction algorithms are not available or were not evaluated, and the functional significance of this variant is currently unknown. In summary, the available evidence is currently insufficient to determine the role of this variant in disease. Therefore, it has been classified as a Variant of Uncertain Significance.

Ambry Genetics
Classification: Uncertain significance for Hereditary cancer-predisposing syndrome. Last evaluated: 2024-10-27. Review status: criteria provided, single submitter. Criteria: Ambry Variant Classification Scheme 2023. Collection method: clinical testing. Allele origin: germline.
Comment: The c.2251_2253delAAC variant (also known as p.N751del) is located in coding exon 14 of the CDH1 gene. This variant results from an in-frame AAC deletion at nucleotide positions 2251 to 2253. This results in the in-frame deletion of an asparagine at codon 751. This amino acid position is highly conserved in available vertebrate species. In addition, this alteration is predicted to be deleterious by in silico analysis (Choi Y et al. PLoS ONE. 2012; 7(10):e46688). Since supporting evidence is limited at this time, the clinical significance of this alteration remains unclear.

GeneDx
Classification: Uncertain significance. Last evaluated: 2022-09-21. Review status: criteria provided, single submitter. Criteria: GeneDx Variant Classification Process June 2021. Collection method: clinical testing. Allele origin: germline. Affected: yes.
Comment: In-frame deletion of one amino acid in a non-repeat region; In silico analysis supports a deleterious effect on protein structure/function; Located in the critical cytoplasmic domain and the region of interaction with Hakai and p120-catenin (Brooks-Wilson et al., 2004; Figueiredo et al., 2013); Not observed at significant frequency in large population cohorts (gnomAD); Has not been previously published as pathogenic or benign to our knowledge; This variant is associated with the following publications: (PMID: 15235021, 22850631)

NM_004360.5(CDH1):c.2251_2253del (p.Asn751del)

Gene: CDH1 (cadherin 1; plus strand). Cytogenetic location: 16q22.1.
Variant type: Deletion.
Coding change: c.2251_2253del on transcript NM_004360.5 (MANE Select); coding-DNA positions 2251 to 2253, 3 bases deleted (AAC; older notation c.2251_2253delAAC).
Protein change: p.Asn751del; deletes asparagine 751.
Molecular consequence: inframe deletion.
Genome position (GRCh38, 1-based): chr16:68,828,260-68,828,262, AAC deleted; deleting any 3 consecutive bases within chr16:68,828,258-68,828,262 gives the same sequence; the c. name uses the placement nearest the transcript's 3' end. VCF-style (leftmost placement, unchanged base first): chr16-68828257-GACA-G. GRCh37 (hg19) VCF-style: chr16-68862160-GACA-G.
Other names: c.2068_2070del, p.Asn690del (NM_001317184.2); c.703_705del, p.Asn235del (NM_001317185.2); c.286_288del, p.Asn96del (NM_001317186.2); c.2251_2253delAAC (NM_004360.3); short protein forms N235del, N690del, N96del, N751del.
Identifiers: ClinVar variation 1399691 (VCV001399691.12), dbSNP rs2152141513, ClinGen allele CA2573152653.